The following is an entry in ClinVar:

ClinVar aggregate classification (germline): Uncertain significance. Review status: criteria provided, single submitter (1 of 4 stars). 2 submissions from 2 submitters: Uncertain significance (1). 1 of the submissions does not count toward it. Last evaluated 2026-02-17.

Conditions:
Chudley-McCullough syndrome (CMCS). Also called: DEAFNESS, SENSORINEURAL, WITH PARTIAL AGENESIS OF THE CORPUS CALLOSUM AND ARACHNOID CYSTS; Deafness, autosomal recessive 82. Identifiers: Orphanet 314597, MedGen C1858695, MONDO:0011411, OMIM 604213.

Allele frequency attached by ClinVar (database versions not stated): gnomAD exomes below 0.00001.
gnomAD v4.1: 1 of 1,608,984 alleles (0.000062%); highest among the groups gnomAD compares: Non-Finnish European, 0.000085%; no homozygotes.

Submissions (2):

GeneDx
Classification: Uncertain significance. Last evaluated: 2026-02-17. Review status: criteria provided, single submitter. Criteria: GeneDx Variant Classification Process June 2021. Collection method: clinical testing. Allele origin: germline.
Comment: Not observed at significant frequency in large population cohorts (gnomAD); In silico analysis supports a deleterious effect on splicing; Has not been previously published as pathogenic or benign to our knowledge

Institute of Human Genetics, University of Wuerzburg
Classification: Likely pathogenic for Chudley-McCullough syndrome. Review status: no assertion criteria provided. Collection method: clinical testing. Allele origin: unknown. Affected: yes. Observed: 1 variant allele. Not counted in ClinVar's aggregate classification.

NM_013296.5(GPSM2):c.1600+3A>C

Gene: GPSM2 (G protein signaling modulator 2; plus strand). Cytogenetic location: 1p13.3.
Variant type: single nucleotide variant.
Coding change: c.1600+3A>C on transcript NM_013296.5 (MANE Select); 3 bases into the intron after coding-DNA position 1600, A replaced by C.
Molecular consequence: intron variant.
Genome position (GRCh38, 1-based): chr1:108,922,579, A>C. VCF-style: chr1-108922579-A-C. GRCh37 (hg19) VCF-style: chr1-109465201-A-C.
Other names: c.1600+3A>C (NM_001321038.2, NM_001321039.3).
Identifiers: ClinVar variation 2690987 (VCV002690987.2), dbSNP rs957559316, ClinGen allele CA28578093.